The following is an entry in ClinVar:

ClinVar aggregate classification (germline): Uncertain significance (1 of 4 stars; one submission).

Submission:

Women's Health and Genetics/Laboratory Corporation of America, LabCorp
Classification: Uncertain significance. Last evaluated: 2025-09-15. Review status: criteria provided, single submitter. Criteria: LabCorp Variant Classification Summary - May 2015. Collection method: clinical testing. Allele origin: germline.
Comment: Variant summary: CHD7 c.553C>G (p.His185Asp) results in a non-conservative amino acid change in the encoded protein sequence. Algorithms developed to predict the effect of missense changes on protein structure and function are either unavailable or do not agree on the potential impact of this missense change. The variant was absent in 248092 control chromosomes. The available data on variant occurrences in the general population are insufficient to allow any conclusion about variant significance. To our knowledge, no occurrence of c.553C>G in individuals affected with CHD7-related conditions and no experimental evidence demonstrating its impact on protein function have been reported. No submitters have cited clinical-significance assessments for this variant to ClinVar. Based on the evidence outlined above, the variant was classified as uncertain significance.

NM_017780.4(CHD7):c.553C>G (p.His185Asp)

Gene: CHD7 (chromodomain helicase DNA binding protein 7; plus strand). Cytogenetic location: 8q12.2.
Variant type: single nucleotide variant.
Coding change: c.553C>G on transcript NM_017780.4 (MANE Select); coding-DNA position 553, C replaced by G.
Protein change: p.His185Asp; replaces histidine 185 with aspartic acid.
Molecular consequence: missense variant.
Genome position (GRCh38, 1-based): chr8:60,741,985, C>G. VCF-style: chr8-60741985-C-G. GRCh37 (hg19) VCF-style: chr8-61654544-C-G.
Other names: c.553C>G, p.His185Asp (NM_001316690.1); short protein forms H185D.
Identifiers: ClinVar variation 4535514 (VCV004535514.1).
Genomic context (GRCh38, chr8:60,741,985, plus strand): 5'-CCACAGCCGCAGCCACCGCAGCCGGCTCCGTCGGGGCCCCCTGCACAGGGCCACCCTCAG[C>G]ACATGCAGCAGATGGGCAGCTATATGGCACGTGGGGATTTTTCCATGCAGCAGCATGGTC-3'
Protein context (NP_060250.2, residues 175-195): SGPPAQGHPQ[His185Asp]MQQMGSYMAR